The following is an entry in ClinVar:

ClinVar aggregate classification (germline): Uncertain significance (1 of 4 stars; one submission).

Allele frequency attached by ClinVar (database versions not stated): gnomAD exomes below 0.00001 and 0.00001; ExAC 0.00001; TOPMed 0.00001; gnomAD 0.00002.
gnomAD v4.1: 8 of 1,614,000 alleles (0.0005%); highest among the groups gnomAD compares: African/African-American, 0.0027%; no homozygotes.

Submission:

Labcorp Genetics (formerly Invitae), Labcorp
Classification: Uncertain significance. Last evaluated: 2025-01-06. Review status: criteria provided, single submitter. Criteria: Invitae Variant Classification Sherloc (09022015). Collection method: clinical testing. Allele origin: germline.
Comment: This sequence change replaces threonine, which is neutral and polar, with methionine, which is neutral and non-polar, at codon 331 of the EMC1 protein (p.Thr331Met). This variant is present in population databases (rs753453945, gnomAD 0.002%). This variant has not been reported in the literature in individuals affected with EMC1-related conditions. ClinVar contains an entry for this variant (Variation ID: 1509080). Invitae Evidence Modeling of protein sequence and biophysical properties (such as structural, functional, and spatial information, amino acid conservation, physicochemical variation, residue mobility, and thermodynamic stability) indicates that this missense variant is not expected to disrupt EMC1 protein function with a negative predictive value of 80%. In summary, the available evidence is currently insufficient to determine the role of this variant in disease. Therefore, it has been classified as a Variant of Uncertain Significance.

NM_015047.3(EMC1):c.992C>T (p.Thr331Met)

Genes: EMC1 (ER membrane protein complex subunit 1; minus strand), EMC1-AS1 (EMC1 antisense RNA 1; plus strand). Cytogenetic location: 1p36.13.
Variant type: single nucleotide variant.
Coding change: c.992C>T on transcript NM_015047.3 (MANE Select); coding-DNA position 992, C replaced by T.
Protein change: p.Thr331Met; replaces threonine 331 with methionine.
Molecular consequence: missense variant.
Genome position (GRCh38, 1-based): chr1:19,239,265, G>A on the plus strand (C>T on the coding strand, the complement: EMC1 is on the minus strand). VCF-style: chr1-19239265-G-A. GRCh37 (hg19) VCF-style: chr1-19565759-G-A.
Other names: c.992C>T, p.Thr331Met (NM_001271427.2, NM_001271428.2, NM_001375820.1 and 1 more transcripts); c.926C>T, p.Thr309Met (NM_001271429.2); short protein forms T331M, T309M.
Identifiers: ClinVar variation 1509080 (VCV001509080.6), dbSNP rs753453945, ClinGen allele CA652723.
Genomic context (GRCh38, chr1:19,239,265, plus strand): 5'-TGCTGACTGTTGTTCTCAATACTCACCACTTCATTCCGACAGGCCATGACTGCAGCCACC[G>A]TCTTCTCCCCAGTGGTGGCAAAGCTCACTAGGGCAGTCTGGGGGAAAAGCAAGGCATCAG-3'
Protein context (NP_055862.1, residues 321-341): LVSFATTGEK[Thr331Met]VAAVMACRNE